The following is an entry in ClinVar:

NM_001083116.3(PRF1):c.1189_1190del (p.Cys397fs)

Gene: PRF1 (perforin 1; minus strand). Cytogenetic location: 10q22.1.
Variant type: Microsatellite.
Coding change: c.1189_1190del on transcript NM_001083116.3 (MANE Select); coding-DNA positions 1189 to 1190, 2 bases deleted (TG; older notation c.1189_1190delTG).
Protein change: p.Cys397fs; shifts the reading frame from cysteine 397.
Molecular consequence: frameshift variant.
Genome position (GRCh38, 1-based): chr10:70,598,531-70,598,532, CA deleted on the plus strand (TG on the coding strand, the reverse complement: PRF1 is on the minus strand); deleting any 2 consecutive bases within chr10:70,598,531-70,598,539 gives the same sequence; the c. name uses the placement nearest the transcript's 3' end. VCF-style (leftmost placement, unchanged base first): chr10-70598530-GCA-G. GRCh37 (hg19) VCF-style: chr10-72358286-GCA-G.
Other names: c.1189_1190del, p.Cys397fs (NM_005041.6); short protein forms C397fs.
Identifiers: ClinVar variation 2711702 (VCV002711702.3), dbSNP rs1361687182, ClinGen allele CA645559793.
Genomic context (GRCh38, chr10:70,598,530, plus strand): 5'-CAGCTGGGCCAGGCCCCTCTGCCGAGGGCAGCAGTCCTGGGTGGTGACCGCTGAGCCATG[GCA>G]CACACACTGGCATGGGTCTCGGGGGCTCTTCTGCCGCCCTGGTGGGCACGGCCGGCTGCA-3'

ClinVar aggregate classification (germline): Pathogenic (1 of 4 stars; one submission).

Conditions:
Familial hemophagocytic lymphohistiocytosis 2 (FHL2). Also called: PRF1-Related Familial Hemophagocytic Lymphohistiocytosis (PRF1-fHLH). Identifiers: Orphanet 540, MedGen C1863727, MONDO:0011337, OMIM 603553.

Submission:

Labcorp Genetics (formerly Invitae), Labcorp
Classification: Pathogenic for Familial hemophagocytic lymphohistiocytosis 2. Last evaluated: 2023-06-11. Review status: criteria provided, single submitter. Criteria: Invitae Variant Classification Sherloc (09022015). Collection method: clinical testing. Allele origin: germline.
Comment: This variant has not been reported in the literature in individuals affected with PRF1-related conditions. This variant is not present in population databases (gnomAD no frequency). This sequence change creates a premature translational stop signal (p.Cys397Profs*60) in the PRF1 gene. While this is not anticipated to result in nonsense mediated decay, it is expected to disrupt the last 159 amino acid(s) of the PRF1 protein. This variant disrupts a region of the PRF1 protein in which other variant(s) (p.Asp484Valfs*25) have been determined to be pathogenic (PMID: 17477373, 20055781, 25577959, 33746956; Invitae). This suggests that this is a clinically significant region of the protein, and that variants that disrupt it are likely to be disease-causing. For these reasons, this variant has been classified as Pathogenic.

Literature cited by the submitters: PubMed 17477373; PubMed 20055781; PubMed 25577959; PubMed 33746956.